The following is an entry in ClinVar:

ClinVar aggregate classification (germline): Pathogenic (1 of 4 stars; one submission).

Conditions:
Dilated cardiomyopathy 1G (CMD1G). Identifiers: Orphanet 154, MedGen C1858763, MONDO:0011400, OMIM 604145.

Submission:

Clinical Genetics Laboratory, University Hospital Schleswig-Holstein
Classification: Pathogenic for Dilated cardiomyopathy 1G. Last evaluated: 2025-10-14. Review status: criteria provided, single submitter. Criteria: ACMG Guidelines, 2015. Collection method: clinical testing. Allele origin: germline. Observed: 1 heterozygote.
Comment: ACMG criteria applied: PM2, PVS1

NM_001267550.2(TTN):c.49724del (p.Pro16575fs)

Genes: TTN (titin; minus strand), TTN-AS1 (TTN antisense RNA 1; plus strand). Cytogenetic location: 2q31.2.
Variant type: Deletion.
Coding change: c.49724del on transcript NM_001267550.2 (MANE Select); coding-DNA position 49724, one base deleted (C; older notation c.49724delC).
Protein change: p.Pro16575fs; shifts the reading frame from proline 16575.
Molecular consequence: frameshift variant.
Genome position (GRCh38, 1-based): chr2:178,612,997, G deleted on the plus strand (C on the coding strand, the reverse complement: TTN is on the minus strand); the first of 2 consecutive G bases (chr2:178,612,997-178,612,998); deleting either gives the same sequence. VCF-style (leftmost placement, unchanged base first): chr2-178612996-TG-T. GRCh37 (hg19) VCF-style: chr2-179477723-TG-T.
Other names: c.44801del, p.Pro14934fs (NM_001256850.1); c.22529del, p.Pro7510fs (NM_003319.4); c.42020del, p.Pro14007fs (NM_133378.4); c.22904del, p.Pro7635fs (NM_133432.3); c.23105del, p.Pro7702fs (NM_133437.4); short protein forms P14007fs, P14934fs, P16575fs, P7510fs, P7635fs, P7702fs.
Identifiers: ClinVar variation 4891246 (VCV004891246.1).